The following is an entry in ClinVar:

ClinVar aggregate classification (germline): Likely benign (1 of 4 stars; one submission).

Conditions:
PCNT-related disorder. Also called: PCNT-related condition.

Submission:

PreventionGenetics, part of Exact Sciences
Classification: Likely benign for PCNT-related condition. Last evaluated: 2025-02-07. Review status: criteria provided, single submitter. Criteria: ACMG Guidelines, 2015. Collection method: clinical testing. Allele origin: germline.
Comment: This variant is classified as likely benign based on ACMG/AMP sequence variant interpretation guidelines (Richards et al. 2015 PMID: 25741868, with internal and published modifications).

NM_006031.6(PCNT):c.9946A>C (p.Arg3316=)

Gene: PCNT (pericentrin; plus strand). Cytogenetic location: 21q22.3.
Variant type: single nucleotide variant.
Coding change: c.9946A>C on transcript NM_006031.6 (MANE Select); coding-DNA position 9946, A replaced by C.
Protein change: p.Arg3316=; no amino-acid change (arginine 3316 retained).
Molecular consequence: synonymous variant.
Genome position (GRCh38, 1-based): chr21:46,444,800, A>C. VCF-style: chr21-46444800-A-C. GRCh37 (hg19) VCF-style: chr21-47864713-A-C.
Other names: c.9355A>C, p.Arg3119= (NM_001315529.2).
Identifiers: ClinVar variation 4997471 (VCV004997471.1).